The following is an entry in ClinVar:

NM_001127464.1:c.6882G>A

Gene: ZNF469 (zinc finger protein 469; plus strand).
Variant type: single nucleotide variant.
Identifiers: ClinVar variation 4615476 (VCV004615476.1).

ClinVar aggregate classification (germline): Uncertain significance (1 of 4 stars; one submission).

Conditions:
Cardiovascular phenotype. Identifiers: MedGen CN230736.

Submission:

Ambry Genetics
Classification: Uncertain significance for Cardiovascular phenotype. Last evaluated: 2025-10-27. Review status: criteria provided, single submitter. Criteria: Ambry Variant Classification Scheme 2023. Collection method: clinical testing. Allele origin: germline.
Comment: The p.M2294I variant (also known as c.6882G>A), located in coding exon 2 of the ZNF469 gene, results from a G to A substitution at nucleotide position 6882. The methionine at codon 2294 is replaced by isoleucine, an amino acid with highly similar properties. This amino acid position is conserved. In addition, this alteration is predicted to be tolerated by in silico analysis. Based on the available evidence, the clinical significance of this variant remains unclear.